The following is an entry in ClinVar:

NM_004385.5(VCAN):c.9976A>G (p.Lys3326Glu)

Gene: VCAN (versican; plus strand). Cytogenetic location: 5q14.3.
Variant type: single nucleotide variant.
Coding change: c.9976A>G on transcript NM_004385.5 (MANE Select); coding-DNA position 9976, A replaced by G.
Protein change: p.Lys3326Glu; replaces lysine 3326 with glutamic acid.
Molecular consequence: missense variant.
Genome position (GRCh38, 1-based): chr5:83,580,075, A>G. VCF-style: chr5-83580075-A-G. GRCh37 (hg19) VCF-style: chr5-82875894-A-G.
Other names: c.1753A>G, p.Lys585Glu (NM_001126336.3); c.7015A>G, p.Lys2339Glu (NM_001164097.2); c.4714A>G, p.Lys1572Glu (NM_001164098.2); short protein forms K2339E, K1572E, K3326E, K585E.
Identifiers: ClinVar variation 2116182 (VCV002116182.4), dbSNP rs2479175957, ClinGen allele CA360301128.

ClinVar aggregate classification (germline): Uncertain significance (1 of 4 stars; one submission).

Submission:

Labcorp Genetics (formerly Invitae), Labcorp
Classification: Uncertain significance. Last evaluated: 2022-03-23. Review status: criteria provided, single submitter. Criteria: Invitae Variant Classification Sherloc (09022015). Collection method: clinical testing. Allele origin: germline.
Comment: In summary, the available evidence is currently insufficient to determine the role of this variant in disease. Therefore, it has been classified as a Variant of Uncertain Significance. Algorithms developed to predict the effect of missense changes on protein structure and function are either unavailable or do not agree on the potential impact of this missense change (SIFT: "Deleterious"; PolyPhen-2: "Possibly Damaging"; Align-GVGD: "Class C0"). This variant has not been reported in the literature in individuals affected with VCAN-related conditions. This variant is not present in population databases (gnomAD no frequency). This sequence change replaces lysine, which is basic and polar, with glutamic acid, which is acidic and polar, at codon 3326 of the VCAN protein (p.Lys3326Glu).